The following is an entry in ClinVar:

NM_032199.3(ARID5B):c.696G>A (p.Pro232=)

Gene: ARID5B (AT-rich interaction domain 5B; plus strand). Cytogenetic location: 10q21.2.
Variant type: single nucleotide variant.
Coding change: c.696G>A on transcript NM_032199.3 (MANE Select); coding-DNA position 696, G replaced by A.
Protein change: p.Pro232=; no amino-acid change (proline 232 retained).
Molecular consequence: synonymous variant.
Genome position (GRCh38, 1-based): chr10:62,000,284, G>A. VCF-style: chr10-62000284-G-A. GRCh37 (hg19) VCF-style: chr10-63760043-G-A.
Identifiers: ClinVar variation 4981185 (VCV004981185.1).
Genomic context (GRCh38, chr10:62,000,284, plus strand): 5'-CATTGCAGTGGTCAGCAGGAACCCTCAGATCCTGTACTGTCGGGACACCTTTGACCACCC[G>A]ACTCTCATAGAAAACGAGAGTATATGCGATGAGTTTGGTGAGTCTTTTTTTTTTTTTCCT-3'
Protein context (NP_115575.1, residues 222-242): ILYCRDTFDH[Pro232=]TLIENESICD

ClinVar aggregate classification (germline): Likely benign (1 of 4 stars; one submission).

Conditions:
ARID5B-related disorder. Also called: ARID5B-related condition.

gnomAD v4.1: 1,265 of 1,612,896 alleles (0.078%); highest among the groups gnomAD compares: Non-Finnish European, 0.1%; 1 homozygote.

Submission:

PreventionGenetics, part of Exact Sciences
Classification: Likely benign for ARID5B-related condition. Last evaluated: 2025-04-16. Review status: criteria provided, single submitter. Criteria: ACMG Guidelines, 2015. Collection method: clinical testing. Allele origin: germline.
Comment: This variant is classified as likely benign based on ACMG/AMP sequence variant interpretation guidelines (Richards et al. 2015 PMID: 25741868, with internal and published modifications).